The following is an entry in ClinVar:

ClinVar aggregate classification (germline): Uncertain significance (1 of 4 stars; one submission).

Conditions:
Amyloidosis, hereditary systemic 1 (AMYLD1). Also called: Transthyretin Amyloidosis; AMYLOID CARDIOMYOPATHY; Isolated Cardiac Amyloidosis; Amyloid Cardiomyopathy, Transthyretin-related; Familial amyloid polyneuropathy; Hereditary oculoleptomeningeal amyloid angiopathy. Identifiers: Orphanet 85447, Orphanet 85451, MedGen C2751492, MONDO:0971004, OMIM 105210.

Allele frequency attached by ClinVar (database versions not stated): gnomAD exomes 0.00001; TOPMed 0.00002.
gnomAD v4.1: 3 of 1,614,056 alleles (0.00019%); highest among the groups gnomAD compares: East Asian, 0.0045%; no homozygotes.

Submission:

Labcorp Genetics (formerly Invitae), Labcorp
Classification: Uncertain significance for Amyloidosis, hereditary systemic 1. Last evaluated: 2021-10-19. Review status: criteria provided, single submitter. Criteria: Invitae Variant Classification Sherloc (09022015). Collection method: clinical testing. Allele origin: germline.
Comment: In summary, the available evidence is currently insufficient to determine the role of this variant in disease. Therefore, it has been classified as a Variant of Uncertain Significance. Algorithms developed to predict the effect of missense changes on protein structure and function are either unavailable or do not agree on the potential impact of this missense change (SIFT: "Not Available"; PolyPhen-2: "Benign"; Align-GVGD: "Not Available"). ClinVar contains an entry for this variant (Variation ID: 1003248). This variant has not been reported in the literature in individuals affected with TTR-related conditions. This variant is not present in population databases (ExAC no frequency). This sequence change replaces alanine with aspartic acid at codon 57 of the TTR protein (p.Ala57Asp). The alanine residue is moderately conserved and there is a moderate physicochemical difference between alanine and aspartic acid.

NM_000371.4(TTR):c.170C>A (p.Ala57Asp)

Gene: TTR (transthyretin; plus strand). Cytogenetic location: 18q12.1.
Variant type: single nucleotide variant.
Coding change: c.170C>A on transcript NM_000371.4 (MANE Select); coding-DNA position 170, C replaced by A.
Protein change: p.Ala57Asp; replaces alanine 57 with aspartic acid.
Molecular consequence: missense variant.
Genome position (GRCh38, 1-based): chr18:31,592,996, C>A. VCF-style: chr18-31592996-C-A. GRCh37 (hg19) VCF-style: chr18-29172959-C-A.
Other names: short protein forms A57D.
Identifiers: ClinVar variation 1003248 (VCV001003248.4), dbSNP rs1294297409, ClinGen allele CA402156823.